The following is an entry in ClinVar:

ClinVar aggregate classification (germline): Uncertain significance (1 of 4 stars; one submission).

Submission:

Labcorp Genetics (formerly Invitae), Labcorp
Classification: Uncertain significance. Last evaluated: 2022-10-28. Review status: criteria provided, single submitter. Criteria: Invitae Variant Classification Sherloc (09022015). Collection method: clinical testing. Allele origin: germline.
Comment: In summary, the available evidence is currently insufficient to determine the role of this variant in disease. Therefore, it has been classified as a Variant of Uncertain Significance. Algorithms developed to predict the effect of missense changes on protein structure and function (SIFT, PolyPhen-2, Align-GVGD) all suggest that this variant is likely to be tolerated. This variant has not been reported in the literature in individuals affected with SULF1-related conditions. This variant is not present in population databases (gnomAD no frequency). This sequence change replaces glycine, which is neutral and non-polar, with arginine, which is basic and polar, at codon 856 of the SULF1 protein (p.Gly856Arg).

NM_001128205.2(SULF1):c.2566G>A (p.Gly856Arg)

Gene: SULF1 (sulfatase 1; plus strand). Cytogenetic location: 8q13.3.
Variant type: single nucleotide variant.
Coding change: c.2566G>A on transcript NM_001128205.2 (MANE Select); coding-DNA position 2566, G replaced by A.
Protein change: p.Gly856Arg; replaces glycine 856 with arginine.
Molecular consequence: missense variant. On other transcripts: non-coding transcript variant (7), intron variant (8).
Genome position (GRCh38, 1-based): chr8:69,640,822, G>A. VCF-style: chr8-69640822-G-A. GRCh37 (hg19) VCF-style: chr8-70553057-G-A.
Other names: c.2509G>A, p.Gly837Arg (NM_001412837.1, NM_001412836.1); c.2437G>A, p.Gly813Arg (NM_001412838.1, NM_001412839.1, NM_001412840.1); c.2380G>A, p.Gly794Arg (NM_001412841.1, NM_001412842.1); c.1966G>A, p.Gly656Arg (NM_001412844.1, NM_001412845.1); c.2566G>A, p.Gly856Arg (NM_015170.3, NM_001128204.2, NM_001128206.2 and 3 more transcripts); c.2551+1964G>A (NM_001412828.1, NM_001412829.1, NM_001412830.1 and 1 more transcripts); c.*35+1964G>A (NM_001412851.1, NM_001412850.1); c.760+1964G>A (NM_001412846.1); and 1 more; short protein forms G813R, G837R, G794R, G856R, G656R.
Identifiers: ClinVar variation 2810398 (VCV002810398.3), dbSNP rs2537450707, ClinGen allele CA371228790.
Genomic context (GRCh38, chr8:69,640,822, plus strand): 5'-AAGTTCTAAAGCTAACAGAAATTACTCTTGTATTTTCCTATATCAGGAAATAAAGATGGA[G>A]GAAGCTATGACCTACACAGGTATTCACACTTTTTTATTCTTCTCAACAGCTTCTTCCCCA-3'
Protein context (NP_001121677.1, residues 846-866): KNLDVGNKDG[Gly856Arg]SYDLHRGQLW